The following is an entry in ClinVar:

NM_024675.4(PALB2):c.1390A>G (p.Arg464Gly)

Gene: PALB2 (partner and localizer of BRCA2; minus strand). Cytogenetic location: 16p12.2.
Variant type: single nucleotide variant.
Coding change: c.1390A>G on transcript NM_024675.4 (MANE Select); coding-DNA position 1390, A replaced by G.
Protein change: p.Arg464Gly; replaces arginine 464 with glycine.
Molecular consequence: missense variant.
Genome position (GRCh38, 1-based): chr16:23,635,156, T>C on the plus strand (A>G on the coding strand, the complement: PALB2 is on the minus strand). VCF-style: chr16-23635156-T-C. GRCh37 (hg19) VCF-style: chr16-23646477-T-C.
Other names: short protein forms R464G.
Identifiers: ClinVar variation 480279 (VCV000480279.5), dbSNP rs1555461305, ClinGen allele CA395131369.

ClinVar aggregate classification (germline): Uncertain significance (1 of 4 stars; one submission).

Conditions:
Hereditary cancer-predisposing syndrome. Also called: Hereditary Cancer Syndrome; Neoplastic Syndromes, Hereditary; Tumor predisposition; Hereditary neoplastic syndrome. Identifiers: Orphanet 140162, MedGen C0027672, MeSH D009386, MONDO:0015356.

Submission:

Ambry Genetics
Classification: Uncertain significance for Hereditary cancer-predisposing syndrome. Last evaluated: 2019-01-02. Review status: criteria provided, single submitter. Criteria: Ambry Variant Classification Scheme 2023. Collection method: clinical testing. Allele origin: germline.
Comment: The p.R464G variant (also known as c.1390A>G), located in coding exon 4 of the PALB2 gene, results from an A to G substitution at nucleotide position 1390. The arginine at codon 464 is replaced by glycine, an amino acid with dissimilar properties. This amino acid position is not well conserved in available vertebrate species. In addition, this alteration is predicted to be tolerated by in silico analysis. Since supporting evidence is limited at this time, the clinical significance of this alteration remains unclear.